The following is an entry in ClinVar:

ClinVar aggregate classification (germline): not provided (0 of 4 stars; one submission).

Submission:

ZMPSTE24 homepage - Leiden Muscular Dystrophy pages
No classification provided. Review status: no classification provided. Collection method: not provided. Allele origin: germline.
Comment: has functional consequence

NM_005857.5(ZMPSTE24):c.628-2A>G

Gene: ZMPSTE24 (zinc metallopeptidase STE24; plus strand). Cytogenetic location: 1p34.2.
Variant type: single nucleotide variant.
Coding change: c.628-2A>G on transcript NM_005857.5 (MANE Select); the canonical splice acceptor site of the intron before coding-DNA position 628, A replaced by G.
Molecular consequence: splice acceptor variant.
Genome position (GRCh38, 1-based): chr1:40,271,892, A>G. VCF-style: chr1-40271892-A-G. GRCh37 (hg19) VCF-style: chr1-40737564-A-G.
Identifiers: ClinVar variation 140533 (VCV000140533.1), dbSNP rs312262687, ClinGen allele CA232754.